The following is an entry in ClinVar:

ClinVar aggregate classification (germline): Likely pathogenic (1 of 4 stars; one submission).

Conditions:
Multiple mitochondrial dysfunctions syndrome 6. Identifiers: Orphanet 569290, MedGen C4693741, MONDO:0054785, OMIM 617954.

Submission:

Neuberg Centre For Genomic Medicine, NCGM
Classification: Likely pathogenic for Multiple mitochondrial dysfunctions syndrome 6. Review status: criteria provided, single submitter. Criteria: ACMG Guidelines, 2015. Collection method: clinical testing. Allele origin: germline. Inheritance: Autosomal recessive inheritance. Affected: yes.
Comment: The frameshift variant c.1078dup (p.Thr360AsnfsTer11) in PMPCB gene has not been reported previously as a pathogenic variant nor as a benign variant, to our knowledge. The p.Thr360AsnfsTer11 variant is novel (not in any individuals) in gnomAD Exomes and 1000 Genomes. This variant causes a frameshift starting with codon Threonine 360, changes this amino acid to Asparagine residue, and creates a premature Stop codon at position 11 of the new reading frame, denoted p.Thr360AsnfsTer11. This variant is predicted to cause loss of normal protein function through protein truncation. Loss of function variants have been previously reported to be disease causing. For these reasons, this variant has been classified as Likely Pathogenic. In the absence of another reportable variant, the molecular diagnosis is not confirmed.

NM_004279.3(PMPCB):c.1078dup (p.Thr360fs)

Gene: PMPCB (peptidase, mitochondrial processing subunit beta; plus strand). Cytogenetic location: 7q22.1.
Variant type: Duplication.
Coding change: c.1078dup on transcript NM_004279.3 (MANE Select); coding-DNA position 1078, one base duplicated (A; older notation c.1078dupA).
Protein change: p.Thr360fs; shifts the reading frame from threonine 360.
Molecular consequence: frameshift variant.
Genome position (GRCh38, 1-based): chr7:103,310,399, A duplicated. VCF-style (leftmost placement, unchanged base first): chr7-103310398-T-TA. GRCh37 (hg19) VCF-style: chr7-102950845-T-TA.
Other names: short protein forms T360fs.
Identifiers: ClinVar variation 2585259 (VCV002585259.1), dbSNP rs2484895567, ClinGen allele CA2582341930.
Genomic context (GRCh38, chr7:103,310,398, plus strand): 5'-GCTCACTTGTCATGGCAATCTTTGCCATAGCTTTCAGTCTTTCAACACTTCCTACACAGA[T>TA]ACAGGATTATGGGGACTGTATATGGTTTGTGAATCATCCACTGTTGCAGACATGCTACAT-3'